The following is an entry in ClinVar:

ClinVar aggregate classification (germline): Uncertain significance. Review status: criteria provided, multiple submitters, no conflicts (2 of 4 stars). 2 submissions from 2 submitters: Uncertain significance (2). Last evaluated 2025-03-18.

Conditions:
Progressive myoclonic epilepsy type 5. Identifiers: Orphanet 402082, MedGen C5190799.

Allele frequency attached by ClinVar (database versions not stated): gnomAD 0.00001; TOPMed 0.00001; 1000 Genomes Project 30x 0.00016; 1000 Genomes Project 0.00020.
gnomAD v4.1: 10 of 1,614,238 alleles (0.00062%); highest among the groups gnomAD compares: East Asian, 0.018%; no homozygotes.

Submissions (2):

Labcorp Genetics (formerly Invitae), Labcorp
Classification: Uncertain significance for Progressive myoclonic epilepsy type 5. Last evaluated: 2025-03-18. Review status: criteria provided, single submitter. Criteria: Invitae Variant Classification Sherloc (09022015). Collection method: clinical testing. Allele origin: germline.
Comment: This sequence change replaces serine, which is neutral and polar, with alanine, which is neutral and non-polar, at codon 321 of the PRICKLE2 protein (p.Ser321Ala). This variant is present in population databases (rs535310881, gnomAD 0.04%). This variant has not been reported in the literature in individuals affected with PRICKLE2-related conditions. ClinVar contains an entry for this variant (Variation ID: 2558475). Invitae Evidence Modeling of protein sequence and biophysical properties (such as structural, functional, and spatial information, amino acid conservation, physicochemical variation, residue mobility, and thermodynamic stability) indicates that this missense variant is expected to disrupt PRICKLE2 protein function with a positive predictive value of 80%. In summary, the available evidence is currently insufficient to determine the role of this variant in disease. Therefore, it has been classified as a Variant of Uncertain Significance.

Ambry Genetics
Classification: Uncertain significance. Last evaluated: 2023-06-07. Review status: criteria provided, single submitter. Criteria: Ambry Variant Classification Scheme 2023. Collection method: clinical testing. Allele origin: germline.

NM_198859.4(PRICKLE2):c.961T>G (p.Ser321Ala)

Gene: PRICKLE2 (prickle planar cell polarity protein 2; minus strand). Cytogenetic location: 3p14.1.
Variant type: single nucleotide variant.
Coding change: c.961T>G on transcript NM_198859.4 (MANE Select); coding-DNA position 961, T replaced by G.
Protein change: p.Ser321Ala; replaces serine 321 with alanine.
Molecular consequence: missense variant.
Genome position (GRCh38, 1-based): chr3:64,147,529, A>C on the plus strand (T>G on the coding strand, the complement: PRICKLE2 is on the minus strand). VCF-style: chr3-64147529-A-C. GRCh37 (hg19) VCF-style: chr3-64133205-A-C.
Other names: c.961T>G, p.Ser321Ala (NM_001370528.1); short protein forms S321A.
Identifiers: ClinVar variation 2558475 (VCV002558475.5), dbSNP rs535310881, ClinGen allele CA75728149.
Genomic context (GRCh38, chr3:64,147,529, plus strand): 5'-CAATTTTGGCACTGCGCCGGGACTCCTTGGCCCTGGCGTTCTGGAAGGCGGAATCAGAGG[A>C]GTCAGAACCATTGGGGTCTTCCCCAGCACTGCAGGCCCGTGAGCAGAATATCTGGCCCTG-3'
Protein context (NP_942559.1, residues 311-331): SAGEDPNGSD[Ser321Ala]SDSAFQNARA